The following is an entry in ClinVar:

ClinVar aggregate classification (germline): Uncertain significance (1 of 4 stars; one submission).

Submission:

Ambry Genetics
Classification: Uncertain significance. Last evaluated: 2026-09-01. Review status: criteria provided, single submitter. Criteria: Ambry Variant Classification Scheme 2023. Collection method: clinical testing. Allele origin: germline.
Comment: The p.Q547H variant (also known as c.1641G>C), located in coding exon 2 of the CDK12 gene, results from a G to C substitution at nucleotide position 1641. The glutamine at codon 547 is replaced by histidine, an amino acid with highly similar properties. This amino acid position is conserved. In addition, this alteration is predicted to be tolerated by in silico analysis. Based on the available evidence, the clinical significance of this variant remains unclear.

NM_016507.4(CDK12):c.1641G>C (p.Gln547His)

Gene: CDK12 (cyclin dependent kinase 12; plus strand). Cytogenetic location: 17q12.
Variant type: single nucleotide variant.
Coding change: c.1641G>C on transcript NM_016507.4 (MANE Select); coding-DNA position 1641, G replaced by C.
Protein change: p.Gln547His; replaces glutamine 547 with histidine.
Molecular consequence: missense variant.
Genome position (GRCh38, 1-based): chr17:39,471,473, G>C. VCF-style: chr17-39471473-G-C. GRCh37 (hg19) VCF-style: chr17-37627726-G-C.
Other names: c.1641G>C, p.Gln547His (NM_015083.4); short protein forms Q547H.
Identifiers: ClinVar variation 5034179 (VCV005034179.1).